The following is an entry in ClinVar:

NM_000891.3(KCNJ2):c.976T>A (p.Tyr326Asn)

Gene: KCNJ2 (potassium inwardly rectifying channel subfamily J member 2; plus strand). Cytogenetic location: 17q24.3.
Variant type: single nucleotide variant.
Coding change: c.976T>A on transcript NM_000891.3 (MANE Select); coding-DNA position 976, T replaced by A.
Protein change: p.Tyr326Asn; replaces tyrosine 326 with asparagine.
Molecular consequence: missense variant.
Genome position (GRCh38, 1-based): chr17:70,176,015, T>A. VCF-style: chr17-70176015-T-A. GRCh37 (hg19) VCF-style: chr17-68172156-T-A.
Other names: p.Y326N:TAT>AAT; short protein forms Y326N.
Identifiers: ClinVar variation 190817 (VCV000190817.2), dbSNP rs786205819, ClinGen allele CA302058.

ClinVar aggregate classification (germline): Uncertain significance (1 of 4 stars; one submission).

Submission:

GeneDx
Classification: Uncertain significance. Last evaluated: 2012-03-22. Review status: criteria provided, single submitter. Criteria: GeneDx Variant Classification (06012015). Collection method: clinical testing. Allele origin: germline. Affected: yes.
Comment: The Tyr326Asn variant in the KCNJ2 gene has not been reported previously as a disease-causing mutation or as a benign polymorphism to our knowledge. Although Tyr326Asn results in a conservative amino acid substitution of one uncharged, polar amino acid with another, the Tyr326 position is highly conserved throughout evolution. In silico analysis predicts Tyr326Asn is probably damaging to the protein structure/function (Schwarz JM et al, 2011; Adzhubei IA et al., 2010). Additionally, the NHLBI ESP Exome Variant Server reports Tyr326Asn was not observed in approximately 5,000 samples from individuals of European and African American backgrounds, indicating it is not a common benign variant in these populations. Nevertheless, no mutations in nearby codons have been reported in association with LQTS, indicating this region of the protein may be tolerant of change. Therefore, with the information available at this time, the clinical significance of the Tyr326Asn variant in the KCNJ2 gene is currently unknown. The variant is found in LQT panel(s).